The following is an entry in ClinVar:

ClinVar aggregate classification (germline): Pathogenic. Review status: criteria provided, single submitter (1 of 4 stars). 2 submissions from 2 submitters: Pathogenic (1). 1 of the submissions does not count toward it. Last evaluated 2024-06-17.

Conditions:
Cardiospondylocarpofacial syndrome (CSCF). Identifiers: Orphanet 3238, MedGen C2931461, MONDO:0008005, OMIM 157800.

Submissions (2):

GeneDx
Classification: Pathogenic. Last evaluated: 2024-06-17. Review status: criteria provided, single submitter. Criteria: GeneDx Variant Classification Process June 2021. Collection method: clinical testing. Allele origin: germline. Affected: yes.
Comment: Not observed at significant frequency in large population cohorts (gnomAD); In silico analysis supports that this missense variant has a deleterious effect on protein structure/function; This variant is associated with the following publications: (PMID: 32105826, 34558790, 29467388, 27426734)

OMIM
Classification: Pathogenic for CARDIOSPONDYLOCARPOFACIAL SYNDROME. Last evaluated: 2022-02-04. Review status: no assertion criteria provided. Collection method: literature only. Allele origin: germline. Not counted in ClinVar's aggregate classification.

Literature cited by the submitters: Le Goff, C., Rogers, C., Le Goff, W., Pinto, G., Bonnet, D., Chrabieh, M., Alibeu, O., Nistchke, P., Munnich, A., Picard, C., Cormier-Daire, V. Heterozygous mutations in MAP3K7, encoding TGF-beta-activated kinase 1, cause cardiospondylocarpofacial syndrome. Am. J. Hum. Genet. 99: 407-413, 2016. (cited by OMIM).

NM_145331.3(MAP3K7):c.721T>A (p.Trp241Arg)

Gene: MAP3K7 (mitogen-activated protein kinase kinase kinase 7; minus strand). Cytogenetic location: 6q15.
Variant type: single nucleotide variant.
Coding change: c.721T>A on transcript NM_145331.3 (MANE Select); coding-DNA position 721, T replaced by A.
Protein change: p.Trp241Arg; replaces tryptophan 241 with arginine.
Molecular consequence: missense variant.
Genome position (GRCh38, 1-based): chr6:90,553,473, A>T on the plus strand (T>A on the coding strand, the complement: MAP3K7 is on the minus strand). VCF-style: chr6-90553473-A-T. GRCh37 (hg19) VCF-style: chr6-91263192-A-T.
Other names: c.721T>A, p.Trp241Arg (NM_003188.4, NM_145332.3, NM_145333.3); short protein forms W241R.
Identifiers: ClinVar variation 264705 (VCV000264705.3), dbSNP rs886039237, ClinGen allele CA10588013.